The following is an entry in ClinVar:

NM_000277.3(PAH):c.718T>G (p.Phe240Val)

Gene: PAH (phenylalanine hydroxylase; minus strand). Cytogenetic location: 12q23.2.
Variant type: single nucleotide variant.
Coding change: c.718T>G on transcript NM_000277.3 (MANE Select); coding-DNA position 718, T replaced by G.
Protein change: p.Phe240Val; replaces phenylalanine 240 with valine.
Molecular consequence: missense variant.
Genome position (GRCh38, 1-based): chr12:102,852,939, A>C on the plus strand (T>G on the coding strand, the complement: PAH is on the minus strand). VCF-style: chr12-102852939-A-C. GRCh37 (hg19) VCF-style: chr12-103246717-A-C.
Other names: NM_000277.2(PAH):c.718T>G; p.Phe240Val; c.718T>G, p.Phe240Val (NM_001354304.2); short protein forms F240V.
Identifiers: ClinVar variation 102801 (VCV000102801.18), dbSNP rs62507337, ClinGen allele CA229713.

ClinVar aggregate classification (germline): Likely pathogenic. Review status: reviewed by expert panel (3 of 4 stars). 8 submissions from 8 submitters: Likely pathogenic (1). 7 of the submissions do not count toward it. Last evaluated 2024-11-17.

Conditions:
PAH-related disorder. Also called: PAH-related condition.
Inborn genetic diseases. Identifiers: MedGen C0950123, MeSH D030342.
Phenylketonuria (PKU). Also called: Phenylketonuria (PKU); FOLLING DISEASE; OLIGOPHRENIA PHENYLPYRUVICA; Phenylketonurias. Identifiers: Orphanet 716, MedGen C0031485, MONDO:0009861, OMIM 261600. Disease mechanism: loss of function.

Allele frequency attached by ClinVar (database versions not stated): gnomAD exomes 0.00001.
gnomAD v4.1: 15 of 1,614,106 alleles (0.00093%); highest among the groups gnomAD compares: Non-Finnish European, 0.0013%; no homozygotes.

Submissions (8):

ClinGen PAH Variant Curation Expert Panel
Classification: Likely pathogenic for Phenylketonuria. Last evaluated: 2024-11-17. Review status: reviewed by expert panel. Criteria: ClinGen PAH ACMG Specifications v1. Collection method: curation. Allele origin: germline. Inheritance: Autosomal recessive inheritance.
Comment: The c.718T>G (p.Phe240Val) variant in PAH has not been reported in the literature detected in an affected patient to our knowledge. This variant has a Pop Max allele frequency of [0.00001271] for [ENF] chromosomes by gnomAD v4.1.0, which is lower than the ClinGen PAH threshold (≤ 0.0002) and therefore meets PM2_Supporting. A deleterious effect is predicted in SIFT, Polyphen-2, MutationTaster, and REVEL=0.978. A different likely pathogenic missense change (p.Phe240Ser) has been seen before. In summary, this variant meets criteria to be classified as Likely pathogenic for PAH. PAH-specific ACMG/AMP criteria applied: PM2_supporting, PP3_strong, PM5_supporting.

Labcorp Genetics (formerly Invitae), Labcorp
Classification: Pathogenic for Phenylketonuria. Last evaluated: 2026-01-29. Review status: criteria provided, single submitter. Criteria: Invitae Variant Classification Sherloc (09022015). Collection method: clinical testing. Allele origin: germline. Not counted in ClinVar's aggregate classification.
Comment: This sequence change replaces phenylalanine, which is neutral and non-polar, with valine, which is neutral and non-polar, at codon 240 of the PAH protein (p.Phe240Val). This variant is not present in population databases (gnomAD no frequency). This missense change has been observed in individual(s) with hyperphenylalaninemia (internal data). ClinVar contains an entry for this variant (Variation ID: 102801). Invitae Evidence Modeling of protein sequence and biophysical properties (such as structural, functional, and spatial information, amino acid conservation, physicochemical variation, residue mobility, and thermodynamic stability) indicates that this missense variant is expected to disrupt PAH protein function with a positive predictive value of 80%. This variant disrupts the p.Phe240 amino acid residue in PAH. Other variant(s) that disrupt this residue have been observed in individuals with PAH-related conditions (PMID: 32668217), which suggests that this may be a clinically significant amino acid residue. For these reasons, this variant has been classified as Pathogenic.

Women's Health and Genetics/Laboratory Corporation of America, LabCorp
Classification: Likely pathogenic for Phenylketonuria. Last evaluated: 2025-10-24. Review status: criteria provided, single submitter. Criteria: LabCorp Variant Classification Summary - May 2015. Collection method: clinical testing. Allele origin: germline. Not counted in ClinVar's aggregate classification.
Comment: Variant summary: PAH c.718T>G (p.Phe240Val) results in a non-conservative amino acid change located in the Aromatic amino acid hydroxylase, C-terminal domain (IPR019774) of the encoded protein sequence. Algorithms developed to predict the effect of missense changes on protein structure and function all suggest that this variant is likely to be disruptive. The variant was absent in 250956 control chromosomes (gnomAD). c.718T>G has been observed in individuals affected with Phenylalanine Hydroxylase Deficiency (Phenylketonuria) (Internal data). These data indicate that the variant may be associated with disease. To our knowledge, no experimental evidence demonstrating an impact on protein function has been reported. ClinVar contains an entry for this variant (Variation ID: 102801). Based on the evidence outlined above, the variant was classified as likely pathogenic.

Blueprint Genetics
Classification: Likely pathogenic for PAH-related disorders. Last evaluated: 2024-09-04. Review status: criteria provided, single submitter. Criteria: ACMG Guidelines, 2015. Collection method: clinical testing. Allele origin: germline. Affected: yes. Observed: 4 variant alleles. Not counted in ClinVar's aggregate classification.

GeneDx
Classification: Uncertain significance. Last evaluated: 2022-12-05. Review status: criteria provided, single submitter. Criteria: GeneDx Variant Classification Process June 2021. Collection method: clinical testing. Allele origin: germline. Affected: yes. Not counted in ClinVar's aggregate classification.
Comment: Not observed at significant frequency in large population cohorts (gnomAD); In silico analysis supports that this missense variant has a deleterious effect on protein structure/function; Has not been previously published as pathogenic or benign to our knowledge

Ambry Genetics
Classification: Uncertain significance for Inborn genetic diseases. Last evaluated: 2022-11-15. Review status: criteria provided, single submitter. Criteria: Ambry Variant Classification Scheme 2023. Collection method: clinical testing. Allele origin: germline. Not counted in ClinVar's aggregate classification.

Counsyl
Classification: Uncertain significance for Phenylketonuria. Last evaluated: 2017-06-08. Review status: no assertion criteria provided. Collection method: clinical testing. Allele origin: unknown. Not counted in ClinVar's aggregate classification.

DeBelle Laboratory for Biochemical Genetics, MUHC/MCH RESEARCH INSTITUTE
No classification provided. Review status: no classification provided. Collection method: not provided. Allele origin: not provided. Not counted in ClinVar's aggregate classification.

Literature cited by the submitters: PubMed 32668217 (cited by Labcorp Genetics (formerly Invitae), Labcorp); PubMed 10527663 (cited by Counsyl).